The following is an entry in ClinVar:

NM_001737.5(C9):c.1189G>T (p.Gly397Ter)

Gene: C9 (complement C9; minus strand). Cytogenetic location: 5p13.1.
Variant type: single nucleotide variant.
Coding change: c.1189G>T on transcript NM_001737.5 (MANE Select); coding-DNA position 1189, G replaced by T.
Protein change: p.Gly397Ter; replaces glycine 397 with a stop codon.
Molecular consequence: nonsense.
Genome position (GRCh38, 1-based): chr5:39,308,281, C>A on the plus strand (G>T on the coding strand, the complement: C9 is on the minus strand). VCF-style: chr5-39308281-C-A. GRCh37 (hg19) VCF-style: chr5-39308383-C-A.
Other names: short protein forms G397*.
Identifiers: ClinVar variation 2114100 (VCV002114100.4), dbSNP rs758290425, ClinGen allele CA359554515.

ClinVar aggregate classification (germline): Pathogenic (1 of 4 stars; one submission).

gnomAD v4.1: 1 of 1,612,186 alleles (0.000062%); highest among the groups gnomAD compares: Non-Finnish European, 0.000085%; no homozygotes.

Submission:

Labcorp Genetics (formerly Invitae), Labcorp
Classification: Pathogenic. Last evaluated: 2024-04-29. Review status: criteria provided, single submitter. Criteria: Invitae Variant Classification Sherloc (09022015). Collection method: clinical testing. Allele origin: germline.
Comment: This sequence change creates a premature translational stop signal (p.Gly397*) in the C9 gene. It is expected to result in an absent or disrupted protein product. Loss-of-function variants in C9 are known to be pathogenic (PMID: 9144525, 9570574). This variant is not present in population databases (gnomAD no frequency). This variant has not been reported in the literature in individuals affected with C9-related conditions. ClinVar contains an entry for this variant (Variation ID: 2114100). Algorithms developed to predict the effect of sequence changes on RNA splicing suggest that this variant may disrupt the consensus splice site. For these reasons, this variant has been classified as Pathogenic.

Literature cited by the submitters: PubMed 9144525; PubMed 9570574.